The following is an entry in ClinVar:

NM_006516.4(SLC2A1):c.216T>G (p.Phe72Leu)

Gene: SLC2A1 (solute carrier family 2 member 1; minus strand). Cytogenetic location: 1p34.2.
Variant type: single nucleotide variant.
Coding change: c.216T>G on transcript NM_006516.4 (MANE Select); coding-DNA position 216, T replaced by G.
Protein change: p.Phe72Leu; replaces phenylalanine 72 with leucine.
Molecular consequence: missense variant.
Genome position (GRCh38, 1-based): chr1:42,931,105, A>C on the plus strand (T>G on the coding strand, the complement: SLC2A1 is on the minus strand). VCF-style: chr1-42931105-A-C. GRCh37 (hg19) VCF-style: chr1-43396776-A-C.
Other names: short protein forms F72L.
Identifiers: ClinVar variation 2023008 (VCV002023008.4), dbSNP rs2124450806, ClinGen allele CA339961922.

ClinVar aggregate classification (germline): Pathogenic (1 of 4 stars; one submission).

Conditions:
GLUT1 deficiency syndrome 1, autosomal recessive. Identifiers: MedGen C3149117.

Submission:

Labcorp Genetics (formerly Invitae), Labcorp
Classification: Pathogenic for GLUT1 deficiency syndrome 1, autosomal recessive. Last evaluated: 2022-08-29. Review status: criteria provided, single submitter. Criteria: Invitae Variant Classification Sherloc (09022015). Collection method: clinical testing. Allele origin: germline.
Comment: This sequence change replaces phenylalanine, which is neutral and non-polar, with leucine, which is neutral and non-polar, at codon 72 of the SLC2A1 protein (p.Phe72Leu). This variant is not present in population databases (gnomAD no frequency). This missense change has been observed in individual(s) with clinical features of autosomal dominant GLUT1 deficiency (Invitae). In at least one individual the variant was observed to be de novo. Advanced modeling of protein sequence and biophysical properties (such as structural, functional, and spatial information, amino acid conservation, physicochemical variation, residue mobility, and thermodynamic stability) performed at Invitae indicates that this missense variant is expected to disrupt SLC2A1 protein function. For these reasons, this variant has been classified as Pathogenic.